The following is an entry in ClinVar:

NM_021098.3(CACNA1H):c.4929+5G>A

Gene: CACNA1H (calcium voltage-gated channel subunit alpha1 H; plus strand). Cytogenetic location: 16p13.3.
Variant type: single nucleotide variant.
Coding change: c.4929+5G>A on transcript NM_021098.3 (MANE Select); 5 bases into the intron after coding-DNA position 4929, G replaced by A.
Molecular consequence: intron variant.
Genome position (GRCh38, 1-based): chr16:1,213,936, G>A. VCF-style: chr16-1213936-G-A. GRCh37 (hg19) VCF-style: chr16-1263936-G-A.
Other names: c.4911+5G>A (NM_001005407.2).
Identifiers: ClinVar variation 460133 (VCV000460133.11), dbSNP rs1054400971, ClinGen allele CA276606472.

ClinVar aggregate classification (germline): Uncertain significance. Review status: criteria provided, multiple submitters, no conflicts (2 of 4 stars). 4 submissions from 4 submitters: Uncertain significance (4). Last evaluated 2024-04-01.

Conditions:
Epilepsy, childhood absence, susceptibility to, 6. Identifiers: Orphanet 64280, MedGen C2749872, MONDO:0012763, OMIM 611942.
Hyperaldosteronism, familial, type IV (HALD4). Also called: FH IV; ALDOSTERONISM, PRIMARY, AND HYPERTENSION. Identifiers: Orphanet 642671, MedGen C4310756, MONDO:0014875, OMIM 617027.
Idiopathic generalized epilepsy. Also called: EIG; Generalised epilepsy. Identifiers: MedGen C0270850, MONDO:0005579, OMIM 600669.

Allele frequency attached by ClinVar (database versions not stated): gnomAD exomes below 0.00001 and 0.00001; gnomAD 0.00001; TOPMed 0.00003.
gnomAD v4.1: 11 of 1,608,562 alleles (0.00068%); highest among the groups gnomAD compares: Admixed American, 0.0034%; no homozygotes.

Submissions (4):

Fulgent Genetics
Classification: Uncertain significance for Epilepsy, childhood absence, susceptibility to, 6; Hyperaldosteronism, familial, type IV. Last evaluated: 2024-04-01. Review status: criteria provided, single submitter. Criteria: ACMG Guidelines, 2015. Collection method: clinical testing. Allele origin: germline.

Labcorp Genetics (formerly Invitae), Labcorp
Classification: Uncertain significance for Idiopathic generalized epilepsy; Hyperaldosteronism, familial, type IV. Last evaluated: 2023-01-24. Review status: criteria provided, single submitter. Criteria: Invitae Variant Classification Sherloc (09022015). Collection method: clinical testing. Allele origin: germline.
Comment: This sequence change falls in intron 27 of the CACNA1H gene. It does not directly change the encoded amino acid sequence of the CACNA1H protein. It affects a nucleotide within the consensus splice site. This variant is present in population databases (no rsID available, gnomAD 0.003%). This variant has not been reported in the literature in individuals affected with CACNA1H-related conditions. ClinVar contains an entry for this variant (Variation ID: 460133). Variants that disrupt the consensus splice site are a relatively common cause of aberrant splicing (PMID: 17576681, 9536098). Algorithms developed to predict the effect of sequence changes on RNA splicing suggest that this variant is not likely to affect RNA splicing. In summary, the available evidence is currently insufficient to determine the role of this variant in disease. Therefore, it has been classified as a Variant of Uncertain Significance.

GeneDx
Classification: Uncertain significance. Last evaluated: 2020-09-24. Review status: criteria provided, single submitter. Criteria: GeneDx Variant Classification Process June 2021. Collection method: clinical testing. Allele origin: germline. Affected: yes.
Comment: Has not been previously published as pathogenic or benign to our knowledge; In silico analysis, which includes splice predictors and evolutionary conservation, supports a deleterious effect; Not observed at a significant frequency in large population cohorts (Lek et al., 2016)

Breakthrough Genomics
Classification: Uncertain significance. Review status: criteria provided, single submitter. Criteria: ACMG Guidelines, 2015. Collection method: not provided. Allele origin: germline. Inheritance: Autosomal dominant inheritance. Affected: yes.

Literature cited by the submitters: PubMed 17576681 (cited by Labcorp Genetics (formerly Invitae), Labcorp); PubMed 9536098 (cited by Labcorp Genetics (formerly Invitae), Labcorp).